The following is an entry in ClinVar:

NM_001127222.2(CACNA1A):c.1628_1643dup (p.Ser549fs)

Gene: CACNA1A (calcium voltage-gated channel subunit alpha1 A; minus strand). Cytogenetic location: 19p13.13.
Variant type: Duplication.
Coding change: c.1628_1643dup on transcript NM_001127222.2 (MANE Select); coding-DNA positions 1628 to 1643, 16 bases duplicated (GGCCTTACTTCCACTC).
Protein change: p.Ser549fs; shifts the reading frame from serine 549.
Molecular consequence: frameshift variant.
Genome position (GRCh38, 1-based): chr19:13,312,694-13,312,709, GAGTGGAAGTAAGGCC duplicated on the plus strand (GGCCTTACTTCCACTC on the coding strand, the reverse complement: CACNA1A is on the minus strand); duplicating any 16 consecutive bases within chr19:13,312,694-13,312,710 gives the same sequence; the c. name uses the placement nearest the transcript's 3' end. VCF-style (leftmost placement, unchanged base first): chr19-13312693-A-AGAGTGGAAGTAAGGCC. GRCh37 (hg19) VCF-style: chr19-13423507-A-AGAGTGGAAGTAAGGCC.
Other names: c.1631_1646dup, p.Ser550fs (NM_000068.4, NM_001127221.2, NM_001174080.2 and 1 more transcripts); short protein forms S549fs, S550fs.
Identifiers: ClinVar variation 2672745 (VCV002672745.23), dbSNP rs2512966685, ClinGen allele CA2695198148.

ClinVar aggregate classification (germline): Pathogenic (1 of 4 stars; one submission).

Submission:

CeGaT Center for Human Genetics Tuebingen
Classification: Pathogenic. Last evaluated: 2024-03-01. Review status: criteria provided, single submitter. Criteria: CeGaT Center For Human Genetics Tuebingen Variant Classification Criteria Version 2. Collection method: clinical testing. Allele origin: germline. Affected: yes. Observed: 2 variant alleles.
Comment: CACNA1A: PVS1, PM2